The following is an entry in ClinVar:

ClinVar aggregate classification (germline): Uncertain significance (1 of 4 stars; one submission).

Submission:

GeneDx
Classification: Uncertain significance. Last evaluated: 2026-02-21. Review status: criteria provided, single submitter. Criteria: GeneDx Variant Classification Process June 2021. Collection method: clinical testing. Allele origin: germline.
Comment: Frameshift variant predicted to result in abnormal protein length as the last 130 amino acid(s) are replaced with 56 different amino acid(s) with an unclear effect on protein function; Not observed at significant frequency in large population cohorts (gnomAD); Has not been previously published as pathogenic or benign to our knowledge

NM_001304366.2(SAMD7):c.948del (p.Asn317fs)

Gene: SAMD7 (sterile alpha motif domain containing 7; plus strand). Cytogenetic location: 3q26.2.
Variant type: Deletion.
Coding change: c.948del on transcript NM_001304366.2 (MANE Select); coding-DNA position 948, one base deleted (G; older notation c.948delG).
Protein change: p.Asn317fs; shifts the reading frame from asparagine 317.
Molecular consequence: frameshift variant. On other transcripts: non-coding transcript variant (1).
Genome position (GRCh38, 1-based): chr3:169,928,485, G deleted; the last of 6 consecutive G bases (chr3:169,928,480-169,928,485); deleting any one gives the same sequence. VCF-style (leftmost placement, unchanged base first): chr3-169928479-TG-T. GRCh37 (hg19) VCF-style: chr3-169646267-TG-T.
Other names: c.948del, p.Asn317fs (NM_182610.4); short protein forms N317fs.
Identifiers: ClinVar variation 5009387 (VCV005009387.1).